The following is an entry in ClinVar:

NM_004048.4(B2M):c.358T>C (p.Ter120Gln)

Gene: B2M (beta-2-microglobulin; plus strand). Cytogenetic location: 15q21.1.
Variant type: single nucleotide variant.
Coding change: c.358T>C on transcript NM_004048.4 (MANE Select); coding-DNA position 358, T replaced by C.
Protein change: p.Ter120Gln.
Molecular consequence: stop lost.
Genome position (GRCh38, 1-based): chr15:44,716,340, T>C. VCF-style: chr15-44716340-T-C. GRCh37 (hg19) VCF-style: chr15-45008538-T-C.
Identifiers: ClinVar variation 2133605 (VCV002133605.4), dbSNP rs2506044882, ClinGen allele CA392234017.
Genomic context (GRCh38, chr15:44,716,340, plus strand): 5'-AAGTAAAACTTAATGTCTTCCTTTTTTTTCTCCACTGTCTTTTTCATAGATCGAGACATG[T>C]AAGCAGCATCATGGAGGTAAGTTTTTGACCTTGAGAAAATGTTTTTGTTTCACTGTCCTG-3'

ClinVar aggregate classification (germline): Uncertain significance (1 of 4 stars; one submission).

Conditions:
Hypoproteinemia, hypercatabolic (IMD43). Also called: IMMUNODEFICIENCY 43; BETA-2-MICROGLOBULIN DEFICIENCY; B2M DEFICIENCY; MHC CLASS I DEFICIENCY 4. Identifiers: MedGen C1855796, MONDO:0009434, OMIM 241600.

Submission:

Labcorp Genetics (formerly Invitae), Labcorp
Classification: Uncertain significance for Hypoproteinemia, hypercatabolic. Last evaluated: 2024-04-04. Review status: criteria provided, single submitter. Criteria: Invitae Variant Classification Sherloc (09022015). Collection method: clinical testing. Allele origin: germline.
Comment: This sequence change disrupts the translational stop signal of the B2M mRNA. It is expected to extend the length of the B2M protein by 48 additional amino acid residues. This variant is not present in population databases (gnomAD no frequency). This variant has not been reported in the literature in individuals affected with B2M-related conditions. ClinVar contains an entry for this variant (Variation ID: 2133605). In summary, the available evidence is currently insufficient to determine the role of this variant in disease. Therefore, it has been classified as a Variant of Uncertain Significance.